The following is an entry in ClinVar:

NM_000132.4(F8):c.6267G>C (p.Trp2089Cys)

Gene: F8 (coagulation factor VIII; minus strand). Cytogenetic location: Xq28.
Variant type: single nucleotide variant.
Coding change: c.6267G>C on transcript NM_000132.4 (MANE Select); coding-DNA position 6267, G replaced by C.
Protein change: p.Trp2089Cys; replaces tryptophan 2089 with cysteine.
Molecular consequence: missense variant.
Genome position (GRCh38, 1-based): chrX:154,899,872, C>G on the plus strand (G>C on the coding strand, the complement: F8 is on the minus strand). VCF-style: chrX-154899872-C-G. GRCh37 (hg19) VCF-style: chrX-154128147-C-G.
Other names: short protein forms W2089C.
Identifiers: ClinVar variation 4848434 (VCV004848434.1).
Genomic context (GRCh38, chrX:154,899,872, plus strand): 5'-TAATGCAATTGATTGAATGTGATACATTTCCCATCATTGATTACATTTTCTAACCTTGAT[C>G]CAAGAAAAGGGCTCCTTGGTGCTCCAGGCATTGATTGATCCGGAATAATGAAGTCTGGCC-3'
Protein context (NP_000123.1, residues 2079-2099): NAWSTKEPFS[Trp2089Cys]IKVDLLAPMI

ClinVar aggregate classification (germline): Uncertain significance (1 of 4 stars; one submission).

Submission:

Women's Health and Genetics/Laboratory Corporation of America, LabCorp
Classification: Uncertain significance. Last evaluated: 2026-04-17. Review status: criteria provided, single submitter. Criteria: LabCorp Variant Classification Summary - May 2015. Collection method: clinical testing. Allele origin: germline.
Comment: Variant summary: F8 c.6267G>C (p.Trp2089Cys) results in a non-conservative amino acid change in the encoded protein sequence. Algorithms developed to predict the effect of missense changes on protein structure and function all suggest that this variant is likely to be disruptive. The variant was absent in 183238 control chromosomes. The available data on variant occurrences in the general population are insufficient to allow any conclusion about variant significance. c.6267G>C has been observed in at least 1 hemizygous individual(s) affected with Factor VIII Deficiency (Hemophilia A) (example, Zhang_2023). A different variant, c.6267G>T, resulting in the same protein change has been reported in the EAHAD database in individuals with mild hemophilia A. These data do not allow any conclusion about variant significance. At least one publication reports experimental evidence evaluating an impact on protein function in patient sample(s), demonstrating a low FVIII:C activity (example, Zhang_2023) however, does not allow convincing conclusions about the variant effect in isolation. The following publications have been ascertained in the context of this evaluation (PMID: 37711502, 18217193). No submitters have cited clinical-significance assessments for this variant to ClinVar. Based on the evidence outlined above, the variant was classified as VUS-possibly pathogenic.

Literature cited by the submitters: PubMed 18217193; PubMed 37711502.